The following is an entry in ClinVar:

NM_198578.4(LRRK2):c.6415T>C (p.Cys2139Arg)

Gene: LRRK2 (leucine rich repeat kinase 2; plus strand). Cytogenetic location: 12q12.
Variant type: single nucleotide variant.
Coding change: c.6415T>C on transcript NM_198578.4 (MANE Select); coding-DNA position 6415, T replaced by C.
Protein change: p.Cys2139Arg; replaces cysteine 2139 with arginine.
Molecular consequence: missense variant.
Genome position (GRCh38, 1-based): chr12:40,351,572, T>C. VCF-style: chr12-40351572-T-C. GRCh37 (hg19) VCF-style: chr12-40745374-T-C.
Other names: short protein forms C2139R.
Identifiers: ClinVar variation 1753407 (VCV001753407.2), dbSNP rs112048985, ClinGen allele CA384406577.
Genomic context (GRCh38, chr12:40,351,572, plus strand): 5'-TGTTTTGTTATCTTTAAACTTTCTCAGGTCTTTGACATTTTGAATTCAGCTGAATTAGTC[T>C]GTCTGACGAGACGCATTTTATTACCTAAAAACGTAATTGTTGAATGCATGGTTGCTACAC-3'
Protein context (NP_940980.4, residues 2129-2149): FDILNSAELV[Cys2139Arg]LTRRILLPKN

ClinVar aggregate classification (germline): Uncertain significance (1 of 4 stars; one submission).

Conditions:
Inborn genetic diseases. Identifiers: MedGen C0950123, MeSH D030342.

Allele frequency attached by ClinVar (database versions not stated): TOPMed 0.00001.

Submission:

Ambry Genetics
Classification: Uncertain significance for Inborn genetic diseases. Last evaluated: 2021-12-20. Review status: criteria provided, single submitter. Criteria: Ambry Variant Classification Scheme 2023. Collection method: clinical testing. Allele origin: germline.
Comment: The p.C2139R variant (also known as c.6415T>C), located in coding exon 44 of the LRRK2 gene, results from a T to C substitution at nucleotide position 6415. The cysteine at codon 2139 is replaced by arginine, an amino acid with highly dissimilar properties. This amino acid position is conserved. In addition, this alteration is predicted to be deleterious by in silico analysis. Since supporting evidence is limited at this time, the clinical significance of this alteration remains unclear.